The following is an entry in ClinVar:

ClinVar aggregate classification (germline): Uncertain significance. Review status: criteria provided, multiple submitters, no conflicts (2 of 4 stars). 3 submissions from 3 submitters: Uncertain significance (2). 1 of the submissions does not count toward it. Last evaluated 2022-09-01.

Conditions:
Congenital myasthenic syndrome 11. Also called: MYASTHENIC SYNDROME, CONGENITAL, Ie; Myasthenic syndrome, congenital, 11, associated with acetylcholine receptor deficiency. Identifiers: Orphanet 590, MedGen C4225367, MONDO:0014588, OMIM 616326.
Fetal akinesia deformation sequence 2. Identifiers: MedGen C4760576, MONDO:0100102, OMIM 618388.
Fetal akinesia deformation sequence 1 (FADS1). Also called: Pena-Shokeir syndrome type I; Fetal akinesia sequence. Identifiers: Orphanet 994, MedGen C1276035, MONDO:0100101, OMIM 208150, HP:0001989.
Congenital myasthenic syndrome (CMS). Also called: Congenital Myasthenic Syndromes. Identifiers: Orphanet 590, MedGen C0751882, MeSH D020294, MONDO:0018940.

Allele frequency attached by ClinVar (database versions not stated): gnomAD 0.00001 and 0.00002; TOPMed 0.00002; ExAC 0.00005; gnomAD exomes 0.00005 and 0.00006.
gnomAD v4.1: 80 of 1,614,102 alleles (0.005%); highest among the groups gnomAD compares: South Asian, 0.023%; no homozygotes.

Submissions (3):

Labcorp Genetics (formerly Invitae), Labcorp
Classification: Uncertain significance for Congenital myasthenic syndrome 11; Fetal akinesia deformation sequence 1. Last evaluated: 2022-09-01. Review status: criteria provided, single submitter. Criteria: Invitae Variant Classification Sherloc (09022015). Collection method: clinical testing. Allele origin: germline.
Comment: This sequence change replaces arginine, which is basic and polar, with cysteine, which is neutral and slightly polar, at codon 217 of the RAPSN protein (p.Arg217Cys). This variant is present in population databases (rs766845970, gnomAD 0.03%). This variant has not been reported in the literature in individuals affected with RAPSN-related conditions. ClinVar contains an entry for this variant (Variation ID: 476123). Algorithms developed to predict the effect of missense changes on protein structure and function are either unavailable or do not agree on the potential impact of this missense change (SIFT: "Deleterious"; PolyPhen-2: "Probably Damaging"; Align-GVGD: "Class C0"). In summary, the available evidence is currently insufficient to determine the role of this variant in disease. Therefore, it has been classified as a Variant of Uncertain Significance.

Fulgent Genetics
Classification: Uncertain significance for Congenital myasthenic syndrome 11; Fetal akinesia deformation sequence 2. Last evaluated: 2021-07-28. Review status: criteria provided, single submitter. Criteria: ACMG Guidelines, 2015. Collection method: clinical testing. Allele origin: unknown.

Natera, Inc.
Classification: Uncertain significance for Congenital myasthenic syndrome. Last evaluated: 2019-11-11. Review status: no assertion criteria provided. Collection method: clinical testing. Allele origin: germline. Not counted in ClinVar's aggregate classification.

NM_005055.5(RAPSN):c.649C>T (p.Arg217Cys)

Gene: RAPSN (receptor associated protein of the synapse; minus strand). Cytogenetic location: 11p11.2.
Variant type: single nucleotide variant.
Coding change: c.649C>T on transcript NM_005055.5 (MANE Select); coding-DNA position 649, C replaced by T.
Protein change: p.Arg217Cys; replaces arginine 217 with cysteine.
Molecular consequence: missense variant.
Genome position (GRCh38, 1-based): chr11:47,442,697, G>A on the plus strand (C>T on the coding strand, the complement: RAPSN is on the minus strand). VCF-style: chr11-47442697-G-A. GRCh37 (hg19) VCF-style: chr11-47464249-G-A.
Other names: c.649C>T, p.Arg217Cys (NM_032645.5); short protein forms R217C.
Identifiers: ClinVar variation 476123 (VCV000476123.4), dbSNP rs766845970, ClinGen allele CA5976687.